The following is an entry in ClinVar:

ClinVar aggregate classification (germline): Benign/Likely benign. Review status: criteria provided, multiple submitters, no conflicts (2 of 4 stars). 7 submissions from 7 submitters: Benign (4); Likely benign (1). 2 of the submissions do not count toward it. Last evaluated 2026-06-01.

Conditions:
Cardiovascular phenotype. Identifiers: MedGen CN230736.
Primary dilated cardiomyopathy (DCM). Also called: Dilated Cardiomyopathy. Identifiers: Orphanet 217604, MedGen C0007193, MeSH D002311, MONDO:0005021, HP:0001644. Inheritance: Various modes of inheritance.

Allele frequency attached by ClinVar (database versions not stated): 1000 Genomes Project 30x 0.00172; 1000 Genomes Project 0.00180; ESP Exome Variant Server 0.00406; TOPMed 0.00495.
gnomAD v4.1: 9,979 of 1,613,390 alleles (0.62%); highest among the groups gnomAD compares: Non-Finnish European, 0.57%; 86 homozygotes.

Submissions (7):

CeGaT Center for Human Genetics Tuebingen
Classification: Likely benign. Last evaluated: 2026-06-01. Review status: criteria provided, single submitter. Criteria: CeGaT Center For Human Genetics Tuebingen Variant Classification Criteria Version 2. Collection method: clinical testing. Allele origin: germline. Affected: yes. Observed: 5 variant alleles.
Comment: TXNRD2: BP4, BS2

Labcorp Genetics (formerly Invitae), Labcorp
Classification: Benign for Primary dilated cardiomyopathy. Last evaluated: 2026-02-04. Review status: criteria provided, single submitter. Criteria: Invitae Variant Classification Sherloc (09022015). Collection method: clinical testing. Allele origin: germline.

GeneDx
Classification: Benign. Last evaluated: 2017-06-26. Review status: criteria provided, single submitter. Criteria: GeneDx Variant Classification (06012015). Collection method: clinical testing. Allele origin: germline. Affected: yes.
Comment: This variant is considered likely benign or benign based on one or more of the following criteria: it is a conservative change, it occurs at a poorly conserved position in the protein, it is predicted to be benign by multiple in silico algorithms, and/or has population frequency not consistent with disease.

Ambry Genetics
Classification: Benign for Cardiovascular phenotype. Last evaluated: 2015-05-15. Review status: criteria provided, single submitter. Criteria: Ambry Variant Classification Scheme 2023. Collection method: clinical testing. Allele origin: germline.

Breakthrough Genomics
Classification: Benign. Review status: criteria provided, single submitter. Criteria: ACMG Guidelines, 2015. Collection method: not provided. Allele origin: germline. Inheritance: Autosomal recessive inheritance. Affected: yes.

Diagnostic Laboratory, Department of Genetics, University Medical Center Groningen
Classification: Likely benign. Review status: no assertion criteria provided. Collection method: clinical testing. Allele origin: germline. Affected: yes. Study: VKGL Data-share Consensus. Not counted in ClinVar's aggregate classification.

Genome Diagnostics Laboratory, University Medical Center Utrecht
Classification: Likely benign. Review status: no assertion criteria provided. Collection method: clinical testing. Allele origin: germline. Affected: yes. Study: VKGL Data-share Consensus. Not counted in ClinVar's aggregate classification.

NM_006440.5(TXNRD2):c.1150G>A (p.Gly384Ser)

Gene: TXNRD2 (thioredoxin reductase 2; minus strand). Cytogenetic location: 22q11.21.
Variant type: single nucleotide variant.
Coding change: c.1150G>A on transcript NM_006440.5 (MANE Select); coding-DNA position 1150, G replaced by A.
Protein change: p.Gly384Ser; replaces glycine 384 with serine.
Molecular consequence: missense variant. On other transcripts: non-coding transcript variant (1).
Genome position (GRCh38, 1-based): chr22:19,880,654, C>T on the plus strand (G>A on the coding strand, the complement: TXNRD2 is on the minus strand). VCF-style: chr22-19880654-C-T. GRCh37 (hg19) VCF-style: chr22-19868177-C-T.
Other names: c.1147G>A, p.Gly383Ser (NM_001352300.2); c.1060G>A, p.Gly354Ser (NM_001352301.2); c.862G>A, p.Gly288Ser (NM_001352302.2); short protein forms G384S, G354S, G288S, G383S.
Identifiers: ClinVar variation 263784 (VCV000263784.42), dbSNP rs192869629, ClinGen allele CA10103786.